The following is an entry in ClinVar:

NM_000370.3(TTPA):c.489del (p.Trp163fs)

Gene: TTPA (alpha tocopherol transfer protein; minus strand). Cytogenetic location: 8q12.3.
Variant type: Deletion.
Coding change: c.489del on transcript NM_000370.3 (MANE Select); coding-DNA position 489, one base deleted (G; older notation c.489delG).
Protein change: p.Trp163fs; shifts the reading frame from tryptophan 163.
Molecular consequence: frameshift variant. On other transcripts: non-coding transcript variant (2), intron variant (3).
Genome position (GRCh38, 1-based): chr8:63,065,967, C deleted on the plus strand (G on the coding strand, the reverse complement: TTPA is on the minus strand); the first of 2 consecutive C bases (chr8:63,065,967-63,065,968); deleting either gives the same sequence. VCF-style (leftmost placement, unchanged base first): chr8-63065966-GC-G. GRCh37 (hg19) VCF-style: chr8-63978525-GC-G.
Other names: c.489del, p.Trp163fs (NM_001413416.1); c.606del, p.Trp202fs (NM_001413418.1); c.205-4542del (NM_001413417.1); c.205-1651del (NM_001413414.1); c.359-4542del (NM_001413415.1); short protein forms W163fs, W202fs.
Identifiers: ClinVar variation 2679391 (VCV002679391.2), dbSNP rs2487147387, ClinGen allele CA2695201469.

ClinVar aggregate classification (germline): Pathogenic/Likely pathogenic. Review status: criteria provided, multiple submitters, no conflicts (2 of 4 stars). 2 submissions from 2 submitters: Pathogenic (1); Likely pathogenic (1). Last evaluated 2024-05-25.

Conditions:
Familial isolated deficiency of vitamin E (AVED). Also called: ATAXIA, FRIEDREICH-LIKE, WITH SELECTIVE VITAMIN E DEFICIENCY; Ataxia with isolated vitamin E deficiency. Identifiers: Orphanet 96, MedGen C1848533, MONDO:0010188, OMIM 277460.

Submissions (2):

Myriad Genetics, Inc.
Classification: Pathogenic for Familial isolated deficiency of vitamin E. Last evaluated: 2024-05-25. Review status: criteria provided, single submitter. Criteria: Myriad Autosomal Dominant, Autosomal Recessive and X-Linked Classification Criteria (2023). Collection method: clinical testing. Allele origin: unknown.
Comment: NM_000370.3(TTPA):c.489delG(W163Cfs*13) is expected to be pathogenic in the context of ataxia with vitamin E deficiency. This variant is predicted to lead to an abnormal or absent protein product due to the creation of a premature termination codon in TTPA, a gene where loss-of-function variants are known to be pathogenic. Please note: this variant was assessed in the context of healthy population screening.

Baylor Genetics
Classification: Likely pathogenic for Familial isolated deficiency of vitamin E. Last evaluated: 2023-02-04. Review status: criteria provided, single submitter. Criteria: ACMG Guidelines, 2015. Collection method: clinical testing. Allele origin: unknown.